The following is an entry in ClinVar:

ClinVar aggregate classification (germline): Pathogenic (1 of 4 stars; one submission).

Conditions:
Hypertrophic cardiomyopathy 26. Also called: Cardiomyopathy, familial hypertrophic, 26. Identifiers: Orphanet 75249, MedGen C4310749, MONDO:0014883, OMIM 617047.
Myofibrillar myopathy 5. Also called: Filaminopathy (type); FILAMINOPATHY, AUTOSOMAL DOMINANT. Identifiers: Orphanet 171445, MedGen C1836050, MONDO:0012289, OMIM 609524.
Distal myopathy with posterior leg and anterior hand involvement. Also called: WILLIAMS DISTAL MYOPATHY. Identifiers: Orphanet 63273, MedGen C3279722, MONDO:0013550, OMIM 614065.

Submission:

Labcorp Genetics (formerly Invitae), Labcorp
Classification: Pathogenic for Distal myopathy with posterior leg and anterior hand involvement; Myofibrillar myopathy 5; Hypertrophic cardiomyopathy 26. Last evaluated: 2023-06-04. Review status: criteria provided, single submitter. Criteria: Invitae Variant Classification Sherloc (09022015). Collection method: clinical testing. Allele origin: germline.
Comment: This sequence change creates a premature translational stop signal (p.Pro955Leufs*20) in the FLNC gene. It is expected to result in an absent or disrupted protein product. Loss-of-function variants in FLNC are known to be pathogenic (PMID: 27908349). This variant is not present in population databases (gnomAD no frequency). This variant has not been reported in the literature in individuals affected with FLNC-related conditions. For these reasons, this variant has been classified as Pathogenic.

Literature cited by the submitters: PubMed 27908349.

NM_001458.5(FLNC):c.2864_2865del (p.Pro955fs)

Gene: FLNC (filamin C; plus strand). Cytogenetic location: 7q32.1.
Variant type: Deletion.
Coding change: c.2864_2865del on transcript NM_001458.5 (MANE Select); coding-DNA positions 2864 to 2865, 2 bases deleted (CC; older notation c.2864_2865delCC).
Protein change: p.Pro955fs; shifts the reading frame from proline 955.
Molecular consequence: frameshift variant.
Genome position (GRCh38, 1-based): chr7:128,843,848-128,843,849, CC deleted; deleting any 2 consecutive bases within chr7:128,843,846-128,843,849 gives the same sequence; the c. name uses the placement nearest the transcript's 3' end. VCF-style (leftmost placement, unchanged base first): chr7-128843845-GCC-G. GRCh37 (hg19) VCF-style: chr7-128483899-GCC-G.
Other names: c.2864_2865del, p.Pro955fs (NM_001127487.2); short protein forms P955fs.
Identifiers: ClinVar variation 2948531 (VCV002948531.3), dbSNP rs2536634781, ClinGen allele CA2740097568.
Genomic context (GRCh38, chr7:128,843,845, plus strand): 5'-GTACCCAACAGGGCAACATGGCAGTGACAGTGACTTATGGCGGGGACCCTGTCCCCAAGA[GCC>G]CCTTTGTGGTGAATGTGGCACCCCCGCTGGACCTCAGCAAAATCAAAGTTCAGGGCCTTA-3'